The following is an entry in ClinVar:

ClinVar aggregate classification (germline): Uncertain significance. Review status: criteria provided, multiple submitters, no conflicts (2 of 4 stars). 3 submissions from 3 submitters: Uncertain significance (3). Last evaluated 2021-12-01.

Conditions:
Fetal akinesia deformation sequence 1 (FADS1). Also called: Pena-Shokeir syndrome type I; Fetal akinesia sequence. Identifiers: Orphanet 994, MedGen C1276035, MONDO:0100101, OMIM 208150, HP:0001989.
Congenital myasthenic syndrome 11. Also called: MYASTHENIC SYNDROME, CONGENITAL, Ie; Myasthenic syndrome, congenital, 11, associated with acetylcholine receptor deficiency. Identifiers: Orphanet 590, MedGen C4225367, MONDO:0014588, OMIM 616326.

Allele frequency attached by ClinVar (database versions not stated): ExAC 0.00001; gnomAD 0.00001; 1000 Genomes Project 30x 0.00016; 1000 Genomes Project 0.00020.

Submissions (3):

Labcorp Genetics (formerly Invitae), Labcorp
Classification: Uncertain significance for Congenital myasthenic syndrome 11; Fetal akinesia deformation sequence 1. Last evaluated: 2021-12-01. Review status: criteria provided, single submitter. Criteria: Invitae Variant Classification Sherloc (09022015). Collection method: clinical testing. Allele origin: germline.
Comment: This sequence change replaces alanine, which is neutral and non-polar, with threonine, which is neutral and polar, at codon 265 of the RAPSN protein (p.Ala265Thr). The frequency data for this variant in the population databases is considered unreliable, as metrics indicate poor data quality at this position in the gnomAD database. This variant has not been reported in the literature in individuals affected with RAPSN-related conditions. ClinVar contains an entry for this variant (Variation ID: 548027). Advanced modeling of protein sequence and biophysical properties (such as structural, functional, and spatial information, amino acid conservation, physicochemical variation, residue mobility, and thermodynamic stability) performed at Invitae indicates that this missense variant is expected to disrupt RAPSN protein function. In summary, the available evidence is currently insufficient to determine the role of this variant in disease. Therefore, it has been classified as a Variant of Uncertain Significance.

Mayo Clinic Laboratories, Mayo Clinic
Classification: Uncertain significance for Congenital myasthenic syndrome 11; Fetal akinesia deformation sequence 1. Last evaluated: 2018-02-09. Review status: criteria provided, single submitter. Criteria: ACMG Guidelines, 2015. Collection method: clinical testing. Allele origin: biparental.

Breakthrough Genomics
Classification: Uncertain significance. Review status: criteria provided, single submitter. Criteria: ACMG Guidelines, 2015. Collection method: not provided. Allele origin: germline. Inheritance: Autosomal recessive inheritance. Affected: yes.

NM_005055.5(RAPSN):c.793G>A (p.Ala265Thr)

Gene: RAPSN (receptor associated protein of the synapse; minus strand). Cytogenetic location: 11p11.2.
Variant type: single nucleotide variant.
Coding change: c.793G>A on transcript NM_005055.5 (MANE Select); coding-DNA position 793, G replaced by A.
Protein change: p.Ala265Thr; replaces alanine 265 with threonine.
Molecular consequence: missense variant. On other transcripts: intron variant (1).
Genome position (GRCh38, 1-based): chr11:47,441,730, C>T on the plus strand (G>A on the coding strand, the complement: RAPSN is on the minus strand). VCF-style: chr11-47441730-C-T. GRCh37 (hg19) VCF-style: chr11-47463282-C-T.
Other names: c.789+93G>A (NM_032645.5); short protein forms A265T.
Identifiers: ClinVar variation 548027 (VCV000548027.9), dbSNP rs200695559, ClinGen allele CA5976620.